The following is an entry in ClinVar:

ClinVar aggregate classification (germline): Uncertain significance (1 of 4 stars; one submission).

Submission:

Ambry Genetics
Classification: Uncertain significance. Last evaluated: 2025-08-19. Review status: criteria provided, single submitter. Criteria: Ambry Variant Classification Scheme 2023. Collection method: clinical testing. Allele origin: germline.
Comment: The p.Y25H variant (also known as c.73T>C), located in coding exon 1 of the GFI1 gene, results from a T to C substitution at nucleotide position 73. The tyrosine at codon 25 is replaced by histidine, an amino acid with similar properties. This amino acid position is conserved. In addition, this alteration is predicted to be tolerated by in silico analysis. Based on the available evidence, the clinical significance of this variant remains unclear.

NM_005263.5(GFI1):c.73T>C (p.Tyr25His)

Gene: GFI1 (growth factor independent 1 transcriptional repressor; minus strand). Cytogenetic location: 1p22.1.
Variant type: single nucleotide variant.
Coding change: c.73T>C on transcript NM_005263.5 (MANE Select); coding-DNA position 73, T replaced by C.
Protein change: p.Tyr25His; replaces tyrosine 25 with histidine.
Molecular consequence: missense variant.
Genome position (GRCh38, 1-based): chr1:92,483,415, A>G on the plus strand (T>C on the coding strand, the complement: GFI1 is on the minus strand). VCF-style: chr1-92483415-A-G. GRCh37 (hg19) VCF-style: chr1-92948972-A-G.
Other names: c.73T>C, p.Tyr25His (NM_001127215.3, NM_001127216.3); short protein forms Y25H.
Identifiers: ClinVar variation 4263240 (VCV004263240.1).